The following is an entry in ClinVar:

NM_000501.4(ELN):c.1747+69C>T

Genes: ELN (elastin; plus strand), ELN-AS1 (ELN antisense RNA 1; minus strand). Cytogenetic location: 7q11.23.
Variant type: single nucleotide variant.
Coding change: c.1747+69C>T on transcript NM_000501.4 (MANE Select); 69 bases into the intron after coding-DNA position 1747, C replaced by T.
Molecular consequence: intron variant. On other transcripts: missense variant (1).
Genome position (GRCh38, 1-based): chr7:74,060,570, C>T. VCF-style: chr7-74060570-C-T. GRCh37 (hg19) VCF-style: chr7-73474900-C-T.
Other names: c.1603+69C>T (NM_001278916.2); c.1504+69C>T (NM_001278913.2); c.1675+69C>T (NM_001278914.2); c.1717+69C>T (NM_001278917.2); c.1660+69C>T (NM_001081752.3); c.1480+69C>T (NM_001278918.2); c.1903C>T, p.His635Tyr (NM_001278939.2); c.1762+69C>T (NM_001081754.3); and 4 more; short protein forms H635Y.
Identifiers: ClinVar variation 3252406 (VCV003252406.1), dbSNP rs781855528.
Genomic context (GRCh38, chr7:74,060,570, plus strand): 5'-GAGGGAGTTAGGCGGAGCCTGTCCCCTGAGCTCAGGGAAGGAGATCCCTCCTCCTCTCAG[C>T]ACCTCCCCAGCACCCCCTCATCACCCAGGGGTGCATAGTAAAATCCTTGTTAGGTTCTCC-3'

ClinVar aggregate classification (germline): Uncertain significance (1 of 4 stars; one submission).

Allele frequency attached by ClinVar (database versions not stated): ExAC 0.00001; gnomAD 0.00001; gnomAD exomes 0.00001; TOPMed 0.00001.
gnomAD v4.1: 5 of 1,610,460 alleles (0.00031%); highest among the groups gnomAD compares: East Asian, 0.0067%; no homozygotes.

Submission:

GeneDx
Classification: Uncertain significance. Last evaluated: 2023-12-07. Review status: criteria provided, single submitter. Criteria: GeneDx Variant Classification Process June 2021. Collection method: clinical testing. Allele origin: germline. Affected: yes.
Comment: Has not been previously published as pathogenic or benign to our knowledge; Not observed at significant frequency in large population cohorts (gnomAD); In silico analysis is inconclusive as to whether the variant alters gene splicing. In the absence of RNA/functional studies, the actual effect of this sequence change is unknown.; In silico analysis supports that this missense variant does not alter protein structure/function; Reported using an alternate transcript of the gene